The following is an entry in ClinVar:

ClinVar aggregate classification (germline): Conflicting classifications of pathogenicity. Review status: criteria provided, conflicting classifications (1 of 4 stars). 7 submissions from 6 submitters: Uncertain significance (4); Likely benign (3). Last evaluated 2025-11-01.

Conditions:
Inborn genetic diseases. Identifiers: MedGen C0950123, MeSH D030342.
Schwartz-Jampel syndrome. Also called: Myotonic myopathy dwarfism chondrodystrophy and ocular and facial abnormalities. Identifiers: Orphanet 800, MedGen C0036391, MONDO:0009717.
Lethal Kniest-like syndrome (DDSH). Also called: Dyssegmental Dysplasia. Identifiers: Orphanet 1865, MedGen C1857100, MONDO:0009140, OMIM 224410.
HSPG2-related disorder. Also called: HSPG2-related disorders; HSPG2-related condition.

Allele frequency attached by ClinVar (database versions not stated): gnomAD exomes 0.00005 and 0.00018; 1000 Genomes Project 30x 0.00016; 1000 Genomes Project 0.00020; ExAC 0.00024; gnomAD 0.00055 and 0.00063; ESP Exome Variant Server 0.00062; TOPMed 0.00077.
gnomAD v4.1: 166 of 1,614,184 alleles (0.01%); highest among the groups gnomAD compares: African/African-American, 0.16%; no homozygotes.

Submissions (7):

Labcorp Genetics (formerly Invitae), Labcorp
Classification: Likely benign. Last evaluated: 2025-11-01. Review status: criteria provided, single submitter. Criteria: Invitae Variant Classification Sherloc (09022015). Collection method: clinical testing. Allele origin: germline.

PreventionGenetics, part of Exact Sciences
Classification: Likely benign for HSPG2-related condition. Last evaluated: 2025-03-07. Review status: criteria provided, single submitter. Criteria: ACMG Guidelines, 2015. Collection method: clinical testing. Allele origin: germline.
Comment: This variant is classified as likely benign based on ACMG/AMP sequence variant interpretation guidelines (Richards et al. 2015 PMID: 25741868, with internal and published modifications).

Ambry Genetics
Classification: Likely benign for Inborn genetic diseases. Last evaluated: 2022-05-31. Review status: criteria provided, single submitter. Criteria: Ambry Variant Classification Scheme 2023. Collection method: clinical testing. Allele origin: germline.

Revvity Omics, Revvity
Classification: Uncertain significance. Last evaluated: 2021-03-03. Review status: criteria provided, single submitter. Criteria: ACMG Guidelines, 2015. Collection method: clinical testing. Allele origin: germline.

ARUP Laboratories, Molecular Genetics and Genomics, ARUP Laboratories
Classification: Uncertain significance. Last evaluated: 2019-11-04. Review status: criteria provided, single submitter. Criteria: ARUP Molecular Germline Variant Investigation Process. Collection method: clinical testing. Allele origin: germline.
Comment: The HSPG2 c.10609G>A; p.Gly3537Arg variant (rs145048530), to our knowledge, is not reported in the medical literature or gene-specific databases. This variant is found in the African population with an overall allele frequency of 0.19% (48/24962 alleles) in the Genome Aggregation Database. The glycine at codon 3537 is highly conserved, and computational analyses (SIFT, PolyPhen-2) predict that this variant is deleterious. However, due to limited information, the clinical significance of the p.Gly3537Arg variant is uncertain at this time.

Illumina Laboratory Services, Illumina
Classification: Uncertain significance for Lethal Kniest-like syndrome. Last evaluated: 2018-01-13. Review status: criteria provided, single submitter. Criteria: ICSL Variant Classification Criteria 13 December 2019. Collection method: clinical testing. Allele origin: germline.

Illumina Laboratory Services, Illumina
Classification: Uncertain significance for Schwartz-Jampel syndrome type 1. Last evaluated: 2018-01-13. Review status: criteria provided, single submitter. Criteria: ICSL Variant Classification Criteria 13 December 2019. Collection method: clinical testing. Allele origin: germline.

NM_005529.7(HSPG2):c.10609G>A (p.Gly3537Arg)

Gene: HSPG2 (heparan sulfate proteoglycan 2; minus strand). Cytogenetic location: 1p36.12.
Variant type: single nucleotide variant.
Coding change: c.10609G>A on transcript NM_005529.7 (MANE Select); coding-DNA position 10609, G replaced by A.
Protein change: p.Gly3537Arg; replaces glycine 3537 with arginine.
Molecular consequence: missense variant.
Genome position (GRCh38, 1-based): chr1:21,834,790, C>T on the plus strand (G>A on the coding strand, the complement: HSPG2 is on the minus strand). VCF-style: chr1-21834790-C-T. GRCh37 (hg19) VCF-style: chr1-22161283-C-T.
Other names: c.10612G>A, p.Gly3538Arg (NM_001291860.2); c.10609G>A (NM_005529.6); short protein forms G3538R, G3537R.
Identifiers: ClinVar variation 876711 (VCV000876711.24), dbSNP rs145048530, ClinGen allele CA670074.
Genomic context (GRCh38, chr1:21,834,790, plus strand): 5'-CAGTGCAGCGATACTGTCCCGCATCAGCCAGCTCTACGTGGGCGATCCTGACGACACCTC[C>T]GCTCTGCACAATGCCTGGCCGCAGGTGCCCTCCAACTTTGCTCCATGTCACCTGAGGCTT-3'
Protein context (NP_005520.4, residues 3527-3547): GHLRPGIVQS[Gly3537Arg]GVVRIAHVEL